The following is an entry in ClinVar:

NM_022725.4(FANCF):c.149G>C (p.Arg50Pro)

Gene: FANCF (FA complementation group F; minus strand). Cytogenetic location: 11p14.3.
Variant type: single nucleotide variant.
Coding change: c.149G>C on transcript NM_022725.4 (MANE Select); coding-DNA position 149, G replaced by C.
Protein change: p.Arg50Pro; replaces arginine 50 with proline.
Molecular consequence: missense variant.
Genome position (GRCh38, 1-based): chr11:22,625,662, C>G on the plus strand (G>C on the coding strand, the complement: FANCF is on the minus strand). VCF-style: chr11-22625662-C-G. GRCh37 (hg19) VCF-style: chr11-22647208-C-G.
Other names: short protein forms R50P.
Identifiers: ClinVar variation 576019 (VCV000576019.10), dbSNP rs371420932, ClinGen allele CA5924419.

ClinVar aggregate classification (germline): Uncertain significance. Review status: criteria provided, multiple submitters, no conflicts (2 of 4 stars). 5 submissions from 5 submitters: Uncertain significance (5). Last evaluated 2024-12-14.

Conditions:
Fanconi anemia (FA). Also called: Fanconi's anemia. Identifiers: Orphanet 84, MedGen C0015625, MeSH D005199, MONDO:0019391.
Fanconi anemia complementation group F. Also called: FANCF-Related Fanconi Anemia. Identifiers: Orphanet 84, MedGen C3469526, MONDO:0011325, OMIM 603467.

Allele frequency attached by ClinVar (database versions not stated): TOPMed 0.00001; gnomAD 0.00003; ESP Exome Variant Server 0.00015.
gnomAD v4.1: 84 of 1,613,844 alleles (0.0052%); highest among the groups gnomAD compares: Non-Finnish European, 0.007%; no homozygotes.

Submissions (5):

Labcorp Genetics (formerly Invitae), Labcorp
Classification: Uncertain significance for Fanconi anemia. Last evaluated: 2024-12-14. Review status: criteria provided, single submitter. Criteria: Invitae Variant Classification Sherloc (09022015). Collection method: clinical testing. Allele origin: germline.
Comment: This sequence change replaces arginine, which is basic and polar, with proline, which is neutral and non-polar, at codon 50 of the FANCF protein (p.Arg50Pro). This variant is present in population databases (rs371420932, gnomAD 0.01%). This variant has not been reported in the literature in individuals affected with FANCF-related conditions. ClinVar contains an entry for this variant (Variation ID: 576019). Invitae Evidence Modeling of protein sequence and biophysical properties (such as structural, functional, and spatial information, amino acid conservation, physicochemical variation, residue mobility, and thermodynamic stability) indicates that this missense variant is not expected to disrupt FANCF protein function with a negative predictive value of 80%. In summary, the available evidence is currently insufficient to determine the role of this variant in disease. Therefore, it has been classified as a Variant of Uncertain Significance.

Fulgent Genetics
Classification: Uncertain significance for Fanconi anemia complementation group F. Last evaluated: 2022-04-11. Review status: criteria provided, single submitter. Criteria: ACMG Guidelines, 2015. Collection method: clinical testing. Allele origin: unknown.

Sema4
Classification: Uncertain significance for Fanconi anemia. Last evaluated: 2021-12-22. Review status: criteria provided, single submitter. Criteria: Sema4 Curation Guidelines. Collection method: curation. Allele origin: germline.
Comment: To the best of our knowledge, the FANCF c.149G>C (p.R50P) variant has not been reported in individuals with FANCF-related disease. It was observed in 10/112638 chromosomes of the European (non-Finnish) subpopulation, with no homozygotes, in the large and broad cohorts of the Genome Aggregation Database (PMID: 32461654), and has been reported in ClinVar (Variation ID 576019). In silico tools suggest the impact of the variant on protein function is benign, though these predictions have not been confirmed by functional studies. The evidence is insufficient to meet ACMG/AMP criteria for classifying the variant as benign or pathogenic. Thus, the clinical significance of this variant is currently uncertain.

Institute for Clinical Genetics, University Hospital TU Dresden, University Hospital TU Dresden
Classification: Uncertain significance. Last evaluated: 2021-11-03. Review status: criteria provided, single submitter. Criteria: ACMG Guidelines, 2015. Collection method: clinical testing. Allele origin: germline.

Breakthrough Genomics
Classification: Uncertain significance. Review status: criteria provided, single submitter. Criteria: ACMG Guidelines, 2015. Collection method: not provided. Allele origin: germline. Inheritance: Autosomal recessive inheritance. Affected: yes.